The following is an entry in ClinVar:

NM_001370259.2(MEN1):c.343C>A (p.Arg115Ser)

Gene: MEN1 (menin 1; minus strand). Cytogenetic location: 11q13.1.
Variant type: single nucleotide variant.
Coding change: c.343C>A on transcript NM_001370259.2 (MANE Select); coding-DNA position 343, C replaced by A.
Protein change: p.Arg115Ser; replaces arginine 115 with serine.
Molecular consequence: missense variant. On other transcripts: non-coding transcript variant (4).
Genome position (GRCh38, 1-based): chr11:64,809,767, G>T on the plus strand (C>A on the coding strand, the complement: MEN1 is on the minus strand). VCF-style: chr11-64809767-G-T. GRCh37 (hg19) VCF-style: chr11-64577239-G-T.
Other names: c.343C>A, p.Arg115Ser (NM_001407146.1, NM_001407147.1, NM_001407148.1 and 20 more transcripts); short protein forms R115S.
Identifiers: ClinVar variation 3229094 (VCV003229094.2), dbSNP rs1565651402, ClinGen allele CA381187366.
Genomic context (GRCh38, chr11:64,809,767, plus strand): 5'-TGAAGTAGGAGCGGCTGAGGCTGTTCCATATGACATCGGAGACCTTCTTCACCAGCTCAC[G>T]GCTGGAGACACCCCCTTCTCGAGGATAGAGGGACAGGTCGACGGCGCCTCGGATCTGGGC-3'
Protein context (NP_001357188.2, residues 105-125): LYPREGGVSS[Arg115Ser]ELVKKVSDVI

ClinVar aggregate classification (germline): Uncertain significance (1 of 4 stars; one submission).

Conditions:
Hereditary cancer-predisposing syndrome. Also called: Neoplastic Syndromes, Hereditary; Tumor predisposition; Hereditary Cancer Syndrome; Hereditary neoplastic syndrome. Identifiers: Orphanet 140162, MedGen C0027672, MeSH D009386, MONDO:0015356.

Submission:

Ambry Genetics
Classification: Uncertain significance for Hereditary cancer-predisposing syndrome. Last evaluated: 2026-03-25. Review status: criteria provided, single submitter. Criteria: Ambry Variant Classification Scheme 2023. Collection method: clinical testing. Allele origin: germline.
Comment: The p.R115S variant (also known as c.343C>A), located in coding exon 1 of the MEN1 gene, results from a C to A substitution at nucleotide position 343. The arginine at codon 115 is replaced by serine, an amino acid with dissimilar properties. This amino acid position is highly conserved in available vertebrate species. In addition, this alteration is predicted to be deleterious by in silico analysis. Based on the available evidence, the clinical significance of this variant remains unclear.